The following is an entry in ClinVar:

ClinVar aggregate classification (germline): Uncertain significance (1 of 4 stars; one submission).

Allele frequency attached by ClinVar (database versions not stated): gnomAD exomes below 0.00001; ExAC 0.00001.
gnomAD v4.1: 2 of 1,613,562 alleles (0.00012%); highest among the groups gnomAD compares: South Asian, 0.0022%; no homozygotes.

Submission:

Labcorp Genetics (formerly Invitae), Labcorp
Classification: Uncertain significance. Last evaluated: 2022-05-19. Review status: criteria provided, single submitter. Criteria: Invitae Variant Classification Sherloc (09022015). Collection method: clinical testing. Allele origin: germline.
Comment: The frequency data for this variant in the population databases is considered unreliable, as metrics indicate poor data quality at this position in the gnomAD database. This sequence change replaces leucine, which is neutral and non-polar, with methionine, which is neutral and non-polar, at codon 243 of the GNAT1 protein (p.Leu243Met). This variant has not been reported in the literature in individuals affected with GNAT1-related conditions. In summary, the available evidence is currently insufficient to determine the role of this variant in disease. Therefore, it has been classified as a Variant of Uncertain Significance. Algorithms developed to predict the effect of missense changes on protein structure and function are either unavailable or do not agree on the potential impact of this missense change (SIFT: "Tolerated"; PolyPhen-2: "Probably Damaging"; Align-GVGD: "Class C0").

NM_144499.3(GNAT1):c.727C>A (p.Leu243Met)

Gene: GNAT1 (G protein subunit alpha transducin 1; plus strand). Cytogenetic location: 3p21.31.
Variant type: single nucleotide variant.
Coding change: c.727C>A on transcript NM_144499.3 (MANE Select); coding-DNA position 727, C replaced by A.
Protein change: p.Leu243Met; replaces leucine 243 with methionine.
Molecular consequence: missense variant.
Genome position (GRCh38, 1-based): chr3:50,194,519, C>A. VCF-style: chr3-50194519-C-A. GRCh37 (hg19) VCF-style: chr3-50231952-C-A.
Other names: c.727C>A, p.Leu243Met (NM_000172.4); short protein forms L243M.
Identifiers: ClinVar variation 1993098 (VCV001993098.4), dbSNP rs780817002, ClinGen allele CA2412704.